The following is an entry in ClinVar:

NM_174934.4(SCN4B):c.347T>C (p.Ile116Thr)

Genes: SCN4B (sodium voltage-gated channel beta subunit 4; minus strand), LOC126861356 (BRD4-independent group 4 enhancer GRCh37_chr11:118014519-118015718; plus strand). Cytogenetic location: 11q23.3.
Variant type: single nucleotide variant.
Coding change: c.347T>C on transcript NM_174934.4 (MANE Select); coding-DNA position 347, T replaced by C.
Protein change: p.Ile116Thr; replaces isoleucine 116 with threonine.
Molecular consequence: missense variant. On other transcripts: intron variant (1).
Genome position (GRCh38, 1-based): chr11:118,143,949, A>G on the plus strand (T>C on the coding strand, the complement: SCN4B is on the minus strand). VCF-style: chr11-118143949-A-G. GRCh37 (hg19) VCF-style: chr11-118014664-A-G.
Other names: c.17T>C, p.Ile6Thr (NM_001142349.2); c.62-2613T>C (NM_001142348.2); short protein forms I116T, I6T.
Identifiers: ClinVar variation 1211576 (VCV001211576.11), dbSNP rs769406938, ClinGen allele CA229488572.

ClinVar aggregate classification (germline): Uncertain significance. Review status: criteria provided, multiple submitters, no conflicts (2 of 4 stars). 4 submissions from 4 submitters: Uncertain significance (4). Last evaluated 2023-08-11.

Conditions:
Cardiovascular phenotype. Identifiers: MedGen CN230736.
Long QT syndrome 10 (LQT10). Identifiers: Orphanet 101016, Orphanet 768, MedGen C2678484, MONDO:0012737, OMIM 611819.

Allele frequency attached by ClinVar (database versions not stated): gnomAD exomes below 0.00001 and 0.00001; TOPMed 0.00001; gnomAD 0.00003 and 0.00004.

Submissions (4):

Ambry Genetics
Classification: Uncertain significance for Cardiovascular phenotype. Last evaluated: 2023-08-11. Review status: criteria provided, single submitter. Criteria: Ambry Variant Classification Scheme 2023. Collection method: clinical testing. Allele origin: germline.
Comment: The p.I116T variant (also known as c.347T>C), located in coding exon 3 of the SCN4B gene, results from a T to C substitution at nucleotide position 347. The isoleucine at codon 116 is replaced by threonine, an amino acid with similar properties. This amino acid position is conserved. In addition, this alteration is predicted to be deleterious by in silico analysis. Since supporting evidence is limited at this time, the clinical significance of this alteration remains unclear.

Labcorp Genetics (formerly Invitae), Labcorp
Classification: Uncertain significance for Long QT syndrome 10. Last evaluated: 2022-09-22. Review status: criteria provided, single submitter. Criteria: Invitae Variant Classification Sherloc (09022015). Collection method: clinical testing. Allele origin: germline.
Comment: ClinVar contains an entry for this variant (Variation ID: 1211576). Algorithms developed to predict the effect of missense changes on protein structure and function (SIFT, PolyPhen-2, Align-GVGD) all suggest that this variant is likely to be disruptive. In summary, the available evidence is currently insufficient to determine the role of this variant in disease. Therefore, it has been classified as a Variant of Uncertain Significance. This variant has not been reported in the literature in individuals affected with SCN4B-related conditions. This sequence change replaces isoleucine, which is neutral and non-polar, with threonine, which is neutral and polar, at codon 116 of the SCN4B protein (p.Ile116Thr). This variant is present in population databases (rs769406938, gnomAD 0.008%).

Fulgent Genetics
Classification: Uncertain significance for Long QT syndrome 10. Last evaluated: 2021-08-24. Review status: criteria provided, single submitter. Criteria: ACMG Guidelines, 2015. Collection method: clinical testing. Allele origin: unknown.

GeneDx
Classification: Uncertain significance. Last evaluated: 2020-08-26. Review status: criteria provided, single submitter. Criteria: GeneDx Variant Classification Process June 2021. Collection method: clinical testing. Allele origin: germline. Affected: yes.
Comment: Has not been previously published as pathogenic or benign to our knowledge; Not observed at a significant frequency in large population cohorts (Lek et al., 2016); In silico analysis supports that this missense variant has a deleterious effect on protein structure/function